The following is an entry in ClinVar:

NM_001164508.2(NEB):c.21519C>T (p.Ser7173=)

Genes: RIF1 (replication timing regulatory factor 1; plus strand), NEB (nebulin; minus strand). Cytogenetic location: 2q23.3.
Variant type: single nucleotide variant.
Coding change: c.21519C>T on transcript NM_001164508.2 (MANE Select); coding-DNA position 21519, C replaced by T.
Protein change: p.Ser7173=; no amino-acid change (serine 7173 retained).
Molecular consequence: synonymous variant.
Genome position (GRCh38, 1-based): chr2:151,531,795, G>A on the plus strand (C>T on the coding strand, the complement: NEB is on the minus strand). VCF-style: chr2-151531795-G-A. GRCh37 (hg19) VCF-style: chr2-152388309-G-A.
Other names: p.Ser7208=; c.21519C>T, p.Ser7173= (NM_001164507.2); c.21624C>T, p.Ser7208= (NM_001271208.2); c.16416C>T, p.Ser5472= (NM_004543.5).
Identifiers: ClinVar variation 129725 (VCV000129725.24), dbSNP rs16830170, ClinGen allele CA153939.

ClinVar aggregate classification (germline): Benign. Review status: criteria provided, multiple submitters, no conflicts (2 of 4 stars). 8 submissions from 8 submitters: Benign (6). 2 of the submissions do not count toward it. Last evaluated 2026-02-04.

Conditions:
Nemaline myopathy 2 (NEM2). Also called: Nemaline myopathy 2, autosomal recessive. Identifiers: MedGen C1850569, MONDO:0009725, OMIM 256030.

Allele frequency attached by ClinVar (database versions not stated): gnomAD exomes 0.00314 and 0.00607; ExAC 0.00846; ESP Exome Variant Server 0.00873; gnomAD 0.00961 and 0.01000; TOPMed 0.01033; 1000 Genomes Project 30x 0.01889; 1000 Genomes Project 0.01997.
gnomAD v4.1: 6,157 of 1,606,344 alleles (0.38%); highest among the groups gnomAD compares: African/African-American, 2.9%; 110 homozygotes.

Submissions (8):

Labcorp Genetics (formerly Invitae), Labcorp
Classification: Benign for Nemaline myopathy 2. Last evaluated: 2026-02-04. Review status: criteria provided, single submitter. Criteria: Invitae Variant Classification Sherloc (09022015). Collection method: clinical testing. Allele origin: germline.

Mayo Clinic Laboratories, Mayo Clinic
Classification: Benign. Last evaluated: 2022-09-02. Review status: criteria provided, single submitter. Criteria: ACMG Guidelines, 2015. Collection method: clinical testing. Allele origin: germline. Observed: 4 variant alleles.
Comment: BS1, BS2, BP4, BP7

Athena Diagnostics
Classification: Benign. Last evaluated: 2018-05-25. Review status: criteria provided, single submitter. Criteria: Athena Diagnostics Criteria. Collection method: clinical testing. Allele origin: germline.

Illumina Laboratory Services, Illumina
Classification: Benign for Nemaline myopathy 2. Last evaluated: 2018-01-13. Review status: criteria provided, single submitter. Criteria: ICSL Variant Classification Criteria 13 December 2019. Collection method: clinical testing. Allele origin: germline.
Comment: This variant was observed in the ICSL laboratory as part of a predisposition screen in an ostensibly healthy population. It had not been previously curated by ICSL or reported in the Human Gene Mutation Database (HGMD: prior to June 1st, 2018), and was therefore a candidate for classification through an automated scoring system. Utilizing variant allele frequency, disease prevalence and penetrance estimates, and inheritance mode, an automated score was calculated to assess if this variant is too frequent to cause the disease. Based on the score and internal cut-off values, a variant classified as benign is not then subjected to further curation. The score for this variant resulted in a classification of benign for this disease.

GeneDx
Classification: Benign. Last evaluated: 2016-07-08. Review status: criteria provided, single submitter. Criteria: GeneDx Variant Classification (06012015). Collection method: clinical testing. Allele origin: germline. Affected: yes.
Comment: This variant is considered likely benign or benign based on one or more of the following criteria: it is a conservative change, it occurs at a poorly conserved position in the protein, it is predicted to be benign by multiple in silico algorithms, and/or has population frequency not consistent with disease.

PreventionGenetics, part of Exact Sciences
Classification: Benign. Review status: criteria provided, single submitter. Criteria: ACMG Guidelines, 2015. Collection method: clinical testing. Allele origin: germline.

Natera, Inc.
Classification: Benign for Nemaline myopathy type 2. Last evaluated: 2020-09-16. Review status: no assertion criteria provided. Collection method: clinical testing. Allele origin: germline. Not counted in ClinVar's aggregate classification.

Genetic Services Laboratory, University of Chicago
Classification: Likely benign for AllHighlyPenetrant. Review status: no assertion criteria provided. Collection method: clinical testing. Allele origin: germline. Inheritance: Autosomal recessive inheritance. Not counted in ClinVar's aggregate classification.
Comment: Likely benign based on allele frequency in 1000 Genomes Project or ESP global frequency and its presence in a patient with a rare or unrelated disease phenotype. NOT Sanger confirmed.